The following is an entry in ClinVar:

ClinVar aggregate classification (germline): Likely benign (0 of 4 stars; one submission).

Conditions:
BCAT1-related disorder. Also called: BCAT1-related condition.

Allele frequency attached by ClinVar (database versions not stated): ExAC 0.00168; 1000 Genomes Project 30x 0.00172; 1000 Genomes Project 0.00180; TOPMed 0.00187; gnomAD 0.00193; gnomAD exomes 0.00208; ESP Exome Variant Server 0.00215.
gnomAD v4.1: 3,303 of 1,613,704 alleles (0.2%); highest among the groups gnomAD compares: Non-Finnish European, 0.25%; 7 homozygotes.

Submission:

PreventionGenetics, part of Exact Sciences
Classification: Likely benign for BCAT1-related condition. Last evaluated: 2022-02-15. Review status: no assertion criteria provided. Collection method: clinical testing. Allele origin: germline.
Comment: This variant is classified as likely benign based on ACMG/AMP sequence variant interpretation guidelines (Richards et al. 2015 PMID: 25741868, with internal and published modifications).

NM_005504.7(BCAT1):c.176C>T (p.Thr59Met)

Gene: BCAT1 (branched chain amino acid transaminase 1; minus strand). Cytogenetic location: 12p12.1.
Variant type: single nucleotide variant.
Coding change: c.176C>T on transcript NM_005504.7 (MANE Select); coding-DNA position 176, C replaced by T.
Protein change: p.Thr59Met; replaces threonine 59 with methionine.
Molecular consequence: missense variant. On other transcripts: non-coding transcript variant (5).
Genome position (GRCh38, 1-based): chr12:24,894,378, G>A on the plus strand (C>T on the coding strand, the complement: BCAT1 is on the minus strand). VCF-style: chr12-24894378-G-A. GRCh37 (hg19) VCF-style: chr12-25047312-G-A.
Other names: c.176C>T, p.Thr59Met (NM_001178091.2, NM_001413101.1, NM_001413103.1); c.104C>T, p.Thr35Met (NM_001178092.2, NM_001413094.1); c.212C>T, p.Thr71Met (NM_001178093.2, NM_001413086.1, NM_001413088.1 and 4 more transcripts); c.173C>T, p.Thr58Met (NM_001178094.2, NM_001413091.1, NM_001413092.1 and 3 more transcripts); c.248C>T, p.Thr83Met (NM_001413087.1); c.221C>T, p.Thr74Met (NM_001413089.1); c.134C>T, p.Thr45Met (NM_001413093.1); c.8C>T, p.Thr3Met (NM_001413098.1, NM_001413104.1, NM_001413105.1 and 2 more transcripts); short protein forms T35M, T3M, T45M, T58M, T59M, T71M, T74M, T83M.
Identifiers: ClinVar variation 3059560 (VCV003059560.2), dbSNP rs17374285, ClinGen allele CA6485067.